The following is an entry in ClinVar:

NM_003000.3(SDHB):c.249T>G (p.Val83=)

Gene: SDHB (succinate dehydrogenase complex iron sulfur subunit B; minus strand). Cytogenetic location: 1p36.13.
Variant type: single nucleotide variant.
Coding change: c.249T>G on transcript NM_003000.3 (MANE Select); coding-DNA position 249, T replaced by G.
Protein change: p.Val83=; no amino-acid change (valine 83 retained).
Molecular consequence: synonymous variant.
Genome position (GRCh38, 1-based): chr1:17,033,097, A>C on the plus strand (T>G on the coding strand, the complement: SDHB is on the minus strand). VCF-style: chr1-17033097-A-C. GRCh37 (hg19) VCF-style: chr1-17359592-A-C.
Other names: c.249T>G, p.Val83= (NM_001407361.1).
Identifiers: ClinVar variation 2578568 (VCV002578568.25), dbSNP rs1570951394, ClinGen allele CA416089356.

ClinVar aggregate classification (germline): Likely benign (1 of 4 stars; one submission).

Submission:

CeGaT Center for Human Genetics Tuebingen
Classification: Likely benign. Last evaluated: 2024-04-01. Review status: criteria provided, single submitter. Criteria: CeGaT Center For Human Genetics Tuebingen Variant Classification Criteria Version 2. Collection method: clinical testing. Allele origin: germline. Affected: yes. Observed: 1 variant allele.
Comment: SDHB: PM2:Supporting, BP4, BP7